The following is an entry in ClinVar:

NM_014846.4(WASHC5):c.2671T>G (p.Phe891Val)

Genes: WASHC5-AS1 (WASHC5 antisense RNA 1; plus strand), WASHC5 (WASH complex subunit 5; minus strand). Cytogenetic location: 8q24.13.
Variant type: single nucleotide variant.
Coding change: c.2671T>G on transcript NM_014846.4 (MANE Select); coding-DNA position 2671, T replaced by G.
Protein change: p.Phe891Val; replaces phenylalanine 891 with valine.
Molecular consequence: missense variant.
Genome position (GRCh38, 1-based): chr8:125,044,091, A>C on the plus strand (T>G on the coding strand, the complement: WASHC5 is on the minus strand). VCF-style: chr8-125044091-A-C. GRCh37 (hg19) VCF-style: chr8-126056333-A-C.
Other names: c.2227T>G, p.Phe743Val (NM_001330609.2); short protein forms F891V, F743V.
Identifiers: ClinVar variation 2930459 (VCV002930459.3), dbSNP rs1428087301, ClinGen allele CA372188057.

ClinVar aggregate classification (germline): Uncertain significance (1 of 4 stars; one submission).

Conditions:
Hereditary spastic paraplegia 8 (SPG8). Also called: SPASTIC PARAPLEGIA 8, AUTOSOMAL DOMINANT. Identifiers: Orphanet 100989, MedGen C1863704, MONDO:0011339, OMIM 603563.
Ritscher-Schinzel syndrome. Also called: CRANIOCEREBELLOCARDIAC DYSPLASIA. Identifiers: Orphanet 7, MedGen C0796137, MONDO:0019078.

Allele frequency attached by ClinVar (database versions not stated): gnomAD 0.00001; gnomAD exomes 0.00001; TOPMed below 0.00001.
gnomAD v4.1: 6 of 1,602,630 alleles (0.00037%); highest among the groups gnomAD compares: Admixed American, 0.01%; no homozygotes.

Submission:

Labcorp Genetics (formerly Invitae), Labcorp
Classification: Uncertain significance for Ritscher-Schinzel syndrome; Hereditary spastic paraplegia 8. Last evaluated: 2023-06-21. Review status: criteria provided, single submitter. Criteria: Invitae Variant Classification Sherloc (09022015). Collection method: clinical testing. Allele origin: germline.
Comment: This variant has not been reported in the literature in individuals affected with WASHC5-related conditions. This variant is present in population databases (no rsID available, gnomAD 0.006%). This sequence change replaces phenylalanine, which is neutral and non-polar, with valine, which is neutral and non-polar, at codon 891 of the WASHC5 protein (p.Phe891Val). Advanced modeling of protein sequence and biophysical properties (such as structural, functional, and spatial information, amino acid conservation, physicochemical variation, residue mobility, and thermodynamic stability) performed at Invitae indicates that this missense variant is not expected to disrupt WASHC5 protein function. In summary, the available evidence is currently insufficient to determine the role of this variant in disease. Therefore, it has been classified as a Variant of Uncertain Significance.